The following is an entry in ClinVar:

ClinVar aggregate classification (germline): Uncertain significance (1 of 4 stars; one submission).

Conditions:
Spermatogenic failure 18. Identifiers: MedGen C4539783, MONDO:0054615, OMIM 617576.
Ciliary dyskinesia, primary, 37 (CILD37). Also called: CILIARY DYSKINESIA, PRIMARY, 37, WITH OR WITHOUT SITUS INVERSUS. Identifiers: MedGen C4539798, MONDO:0033204, OMIM 617577.

Submission:

Labcorp Genetics (formerly Invitae), Labcorp
Classification: Uncertain significance for Ciliary dyskinesia, primary, 37; Spermatogenic failure 18. Last evaluated: 2022-05-20. Review status: criteria provided, single submitter. Criteria: Invitae Variant Classification Sherloc (09022015). Collection method: clinical testing. Allele origin: germline.
Comment: In summary, the available evidence is currently insufficient to determine the role of this variant in disease. Therefore, it has been classified as a Variant of Uncertain Significance. Algorithms developed to predict the effect of missense changes on protein structure and function (SIFT, PolyPhen-2, Align-GVGD) all suggest that this variant is likely to be tolerated. This variant has not been reported in the literature in individuals affected with DNAH1-related conditions. This variant is not present in population databases (gnomAD no frequency). This sequence change replaces arginine, which is basic and polar, with glycine, which is neutral and non-polar, at codon 2705 of the DNAH1 protein (p.Arg2705Gly).

NM_015512.5(DNAH1):c.8113C>G (p.Arg2705Gly)

Gene: DNAH1 (dynein axonemal heavy chain 1; plus strand). Cytogenetic location: 3p21.1.
Variant type: single nucleotide variant.
Coding change: c.8113C>G on transcript NM_015512.5 (MANE Select); coding-DNA position 8113, C replaced by G.
Protein change: p.Arg2705Gly; replaces arginine 2705 with glycine.
Molecular consequence: missense variant.
Genome position (GRCh38, 1-based): chr3:52,383,557, C>G. VCF-style: chr3-52383557-C-G. GRCh37 (hg19) VCF-style: chr3-52417573-C-G.
Other names: short protein forms R2705G.
Identifiers: ClinVar variation 1996927 (VCV001996927.4), dbSNP rs767190386, ClinGen allele CA353184498.